The following is an entry in ClinVar:

NM_016335.6(PRODH):c.296T>G (p.Leu99Arg)

Gene: PRODH (proline dehydrogenase 1; minus strand). Cytogenetic location: 22q11.21.
Variant type: single nucleotide variant.
Coding change: c.296T>G on transcript NM_016335.6 (MANE Select); coding-DNA position 296, T replaced by G.
Protein change: p.Leu99Arg; replaces leucine 99 with arginine.
Molecular consequence: missense variant. On other transcripts: 5 prime UTR variant (2).
Genome position (GRCh38, 1-based): chr22:18,931,176, A>C on the plus strand (T>G on the coding strand, the complement: PRODH is on the minus strand). VCF-style: chr22-18931176-A-C. GRCh37 (hg19) VCF-style: chr22-18918689-A-C.
Other names: c.-29T>G (NM_001195226.2, NM_001368250.2); short protein forms L99R.
Identifiers: ClinVar variation 2187005 (VCV002187005.4), dbSNP rs2517460570, ClinGen allele CA410652534.
Genomic context (GRCh38, chr22:18,931,176, plus strand): 5'-GCTACAAAATGCCCATAGAAGGTCATCTTCATGAGCTTGTTGAATAGCCTCTGTCCTAGA[A>C]GTTTCCTGGAAACATACAGCAGCTGAAAGGCAAAGGGAAGCCGCTGTCCTGGGCTGCCTG-3'
Protein context (NP_057419.5, residues 89-109): HEQLLYVSRK[Leu99Arg]LGQRLFNKLM

ClinVar aggregate classification (germline): Uncertain significance (1 of 4 stars; one submission).

Conditions:
Proline dehydrogenase deficiency (HYRPRO1). Also called: PROLINE OXIDASE DEFICIENCY; Hyperprolinemia type 1. Identifiers: Orphanet 419, MedGen C0268529, MONDO:0009400, OMIM 239500.

Submission:

Labcorp Genetics (formerly Invitae), Labcorp
Classification: Uncertain significance for Proline dehydrogenase deficiency. Last evaluated: 2024-09-30. Review status: criteria provided, single submitter. Criteria: Invitae Variant Classification Sherloc (09022015). Collection method: clinical testing. Allele origin: germline.
Comment: This sequence change replaces leucine, which is neutral and non-polar, with arginine, which is basic and polar, at codon 99 of the PRODH protein (p.Leu99Arg). This variant is not present in population databases (gnomAD no frequency). This variant has not been reported in the literature in individuals affected with PRODH-related conditions. ClinVar contains an entry for this variant (Variation ID: 2187005). An algorithm developed to predict the effect of missense changes on protein structure and function (PolyPhen-2) suggests that this variant is likely to be disruptive. In summary, the available evidence is currently insufficient to determine the role of this variant in disease. Therefore, it has been classified as a Variant of Uncertain Significance.